The following is an entry in ClinVar:

NM_032119.4(ADGRV1):c.2553+4T>A

Gene: ADGRV1 (adhesion G protein-coupled receptor V1; plus strand). Cytogenetic location: 5q14.3.
Variant type: single nucleotide variant.
Coding change: c.2553+4T>A on transcript NM_032119.4 (MANE Select); 4 bases into the intron after coding-DNA position 2553, T replaced by A.
Molecular consequence: intron variant.
Genome position (GRCh38, 1-based): chr5:90,643,045, T>A. VCF-style: chr5-90643045-T-A. GRCh37 (hg19) VCF-style: chr5-89938862-T-A.
Identifiers: ClinVar variation 1408768 (VCV001408768.6), dbSNP rs949285769, ClinGen allele CA2573140096.

ClinVar aggregate classification (germline): Uncertain significance (1 of 4 stars; one submission).

Submission:

Labcorp Genetics (formerly Invitae), Labcorp
Classification: Uncertain significance. Last evaluated: 2021-02-13. Review status: criteria provided, single submitter. Criteria: Invitae Variant Classification Sherloc (09022015). Collection method: clinical testing. Allele origin: germline.
Comment: In summary, the available evidence is currently insufficient to determine the role of this variant in disease. Therefore, it has been classified as a Variant of Uncertain Significance. Nucleotide substitutions within the consensus splice site are a relatively common cause of aberrant splicing (PMID: 17576681, 9536098). Algorithms developed to predict the effect of sequence changes on RNA splicing suggest that this variant may create or strengthen a splice site, but this prediction has not been confirmed by published transcriptional studies. This variant has not been reported in the literature in individuals with ADGRV1-related conditions. This variant is not present in population databases (ExAC no frequency). This sequence change falls in intron 13 of the ADGRV1 gene. It does not directly change the encoded amino acid sequence of the ADGRV1 protein. It affects a nucleotide within the consensus splice site of the intron.

Literature cited by the submitters: PubMed 17576681; PubMed 9536098.